The following is an entry in ClinVar:

ClinVar aggregate classification (germline): Uncertain significance (1 of 4 stars; one submission).

Conditions:
Hereditary cancer-predisposing syndrome. Also called: Neoplastic Syndromes, Hereditary; Tumor predisposition; Hereditary Cancer Syndrome; Hereditary neoplastic syndrome. Identifiers: Orphanet 140162, MedGen C0027672, MeSH D009386, MONDO:0015356.

gnomAD v4.1: 1 of 1,614,006 alleles (0.000062%); highest among the groups gnomAD compares: Non-Finnish European, 0.000085%; no homozygotes.

Submission:

Ambry Genetics
Classification: Uncertain significance for Hereditary cancer-predisposing syndrome. Last evaluated: 2025-09-14. Review status: criteria provided, single submitter. Criteria: Ambry Variant Classification Scheme 2023. Collection method: clinical testing. Allele origin: germline.
Comment: The p.C803Y variant (also known as c.2408G>A), located in coding exon 17 of the TSC1 gene, results from a G to A substitution at nucleotide position 2408. The cysteine at codon 803 is replaced by tyrosine, an amino acid with highly dissimilar properties. This amino acid position is conserved. In addition, this alteration is predicted to be tolerated by in silico analysis. Based on the available evidence, the clinical significance of this variant remains unclear.

NM_000368.5(TSC1):c.2408G>A (p.Cys803Tyr)

Gene: TSC1 (TSC complex subunit 1; minus strand). Cytogenetic location: 9q34.13.
Variant type: single nucleotide variant.
Coding change: c.2408G>A on transcript NM_000368.5 (MANE Select); coding-DNA position 2408, G replaced by A.
Protein change: p.Cys803Tyr; replaces cysteine 803 with tyrosine.
Molecular consequence: missense variant. On other transcripts: non-coding transcript variant (5).
Genome position (GRCh38, 1-based): chr9:132,901,683, C>T on the plus strand (G>A on the coding strand, the complement: TSC1 is on the minus strand). VCF-style: chr9-132901683-C-T. GRCh37 (hg19) VCF-style: chr9-135777070-C-T.
Other names: c.2405G>A, p.Cys802Tyr (NM_001162426.2, NM_001406600.1, NM_001406608.1 and 4 more transcripts); c.2393G>A, p.Cys798Tyr (NM_001406601.1, NM_001406602.1); c.2390G>A, p.Cys797Tyr (NM_001406603.1, NM_001406604.1); c.2408G>A, p.Cys803Tyr (NM_001406605.1, NM_001406606.1, NM_001406607.1 and 5 more transcripts); c.2045G>A, p.Cys682Tyr (NM_001406619.1, NM_001406624.1, NM_001362177.2 and 5 more transcripts); c.2042G>A, p.Cys681Tyr (NM_001406620.1, NM_001406621.1, NM_001406622.1 and 2 more transcripts); c.1457G>A, p.Cys486Tyr (NM_001406626.1); c.1454G>A, p.Cys485Tyr (NM_001406627.1, NM_001406628.1); and 3 more; short protein forms C802Y, C452Y, C486Y, C751Y, C803Y, C682Y, C752Y, C485Y.
Identifiers: ClinVar variation 4192100 (VCV004192100.1).